The following is an entry in ClinVar:

NM_001303256.3(MORC2):c.19A>G (p.Ser7Gly)

Gene: MORC2 (MORC family CW-type zinc finger 2; minus strand). Cytogenetic location: 22q12.2.
Variant type: single nucleotide variant.
Coding change: c.19A>G on transcript NM_001303256.3 (MANE Select); coding-DNA position 19, A replaced by G.
Protein change: p.Ser7Gly; replaces serine 7 with glycine.
Molecular consequence: missense variant. On other transcripts: 5 prime UTR variant (1).
Genome position (GRCh38, 1-based): chr22:30,967,871, T>C on the plus strand (A>G on the coding strand, the complement: MORC2 is on the minus strand). VCF-style: chr22-30967871-T-C. GRCh37 (hg19) VCF-style: chr22-31363857-T-C.
Other names: c.19A>G, p.Ser7Gly (NM_001303257.2); c.-1034A>G (NM_014941.3); c.19A>G (NM_001303256.2); short protein forms S7G.
Identifiers: ClinVar variation 1937535 (VCV001937535.6), dbSNP rs1213563782, ClinGen allele CA411536306.
Genomic context (GRCh38, chr22:30,967,871, plus strand): 5'-AGGATACTTACGAATTTGTGTGCAGATATTCAAAGGTTAGCTGAGCTCGATTCAGACTGC[T>C]GTAATTTGTGAAAGCCATGACTGCAATAAGGTCTCCAGCCCTTCACCCGCTAACTGGGAA-3'
Protein context (NP_001290185.1, residues 1-17): MAFTNY[Ser7Gly]SLNRAQLTFE

ClinVar aggregate classification (germline): Uncertain significance. Review status: criteria provided, multiple submitters, no conflicts (2 of 4 stars). 2 submissions from 2 submitters: Uncertain significance (2). Last evaluated 2023-08-21.

Conditions:
Charcot-Marie-Tooth disease axonal type 2Z. Also called: CHARCOT-MARIE-TOOTH DISEASE, AXONAL, AUTOSOMAL DOMINANT, TYPE 2Z; CHARCOT-MARIE-TOOTH NEUROPATHY, TYPE 2Z. Identifiers: Orphanet 466768, MedGen C5569025, MONDO:0014736, OMIM 616688.

Allele frequency attached by ClinVar (database versions not stated): gnomAD exomes below 0.00001; gnomAD 0.00001; TOPMed 0.00001.
gnomAD v4.1: 2 of 1,551,010 alleles (0.00013%); highest among the groups gnomAD compares: Non-Finnish European, 0.00017%; no homozygotes.

Submissions (2):

Women's Health and Genetics/Laboratory Corporation of America, LabCorp
Classification: Uncertain significance. Last evaluated: 2023-08-21. Review status: criteria provided, single submitter. Criteria: LabCorp Variant Classification Summary - May 2015. Collection method: clinical testing. Allele origin: germline.
Comment: Variant summary: MORC2 c.19A>G (p.Ser7Gly) results in a non-conservative amino acid change in the encoded protein sequence. Two of four in-silico tools predict a benign effect of the variant on protein function. The variant was absent in 153970 control chromosomes (gnomAD). The available data on variant occurrences in the general population are insufficient to allow any conclusion about variant significance. To our knowledge, no occurrence of c.19A>G in individuals affected with Developmental Delay, Impaired Growth, Dysmorphic Facies, And Axonal Neuropathy and no experimental evidence demonstrating its impact on protein function have been reported. One submitter has cited clinical-significance assessments for this variant to ClinVar after 2014 and has classified the variant as uncertain significance. Based on the evidence outlined above, the variant was classified as uncertain significance.

Labcorp Genetics (formerly Invitae), Labcorp
Classification: Uncertain significance for Charcot-Marie-Tooth disease axonal type 2Z. Last evaluated: 2022-03-27. Review status: criteria provided, single submitter. Criteria: Invitae Variant Classification Sherloc (09022015). Collection method: clinical testing. Allele origin: germline.
Comment: This variant has not been reported in the literature in individuals affected with MORC2-related conditions. In summary, the available evidence is currently insufficient to determine the role of this variant in disease. Therefore, it has been classified as a Variant of Uncertain Significance. Advanced modeling of protein sequence and biophysical properties (such as structural, functional, and spatial information, amino acid conservation, physicochemical variation, residue mobility, and thermodynamic stability) performed at Invitae indicates that this missense variant is expected to disrupt MORC2 protein function. This variant is not present in population databases (gnomAD no frequency). This sequence change replaces serine, which is neutral and polar, with glycine, which is neutral and non-polar, at codon 7 of the MORC2 protein (p.Ser7Gly).